The following is an entry in ClinVar:

ClinVar aggregate classification (germline): Benign. Review status: criteria provided, single submitter (1 of 4 stars). 2 submissions from 1 submitter: Benign (2). Last evaluated 2018-01-13.

Conditions:
Pseudo-Hurler polydystrophy. Also called: MUCOLIPIDOSIS IIIA; ML IIIA; Mucolipidosis III Alpha/Beta; ML III; ML III ALPHA/BETA; Type III Mucolipidosis. Identifiers: Orphanet 423461, Orphanet 577, MedGen C0033788, MONDO:0018931, OMIM 252600.
Mucolipidosis type II. Also called: Mucolipidosis II Alpha/Beta; ML II ALPHA/BETA; Mucolipidosis 2; ML 2; Inclusion cell disease; Leroy Disease. Identifiers: Orphanet 576, MedGen C2673377, MONDO:0009650, OMIM 252500.

Allele frequency attached by ClinVar (database versions not stated): TOPMed 0.03633; gnomAD 0.03160 and 0.03436; 1000 Genomes Project 0.03574; 1000 Genomes Project 30x 0.03888.

Submissions (2):

Illumina Laboratory Services, Illumina
Classification: Benign for Pseudo-Hurler polydystrophy. Last evaluated: 2018-01-13. Review status: criteria provided, single submitter. Criteria: ICSL Variant Classification Criteria 13 December 2019. Collection method: clinical testing. Allele origin: germline.
Comment: This variant was observed in the ICSL laboratory as part of a predisposition screen in an ostensibly healthy population. It had not been previously curated by ICSL or reported in the Human Gene Mutation Database (HGMD: prior to June 1st, 2018), and was therefore a candidate for classification through an automated scoring system. Utilizing variant allele frequency, disease prevalence and penetrance estimates, and inheritance mode, an automated score was calculated to assess if this variant is too frequent to cause the disease. Based on the score and internal cut-off values, a variant classified as benign is not then subjected to further curation. The score for this variant resulted in a classification of benign for this disease.

Illumina Laboratory Services, Illumina
Classification: Benign for Mucolipidosis type II. Last evaluated: 2018-01-13. Review status: criteria provided, single submitter. Criteria: ICSL Variant Classification Criteria 13 December 2019. Collection method: clinical testing. Allele origin: germline.
Comment: the same text as in the submission from Illumina Laboratory Services, Illumina above.

NM_024312.5(GNPTAB):c.*814T>G

Gene: GNPTAB (N-acetylglucosamine-1-phosphate transferase subunits alpha and beta; minus strand). Cytogenetic location: 12q23.2.
Variant type: single nucleotide variant.
Coding change: c.*814T>G on transcript NM_024312.5 (MANE Select); 814 bases downstream of the stop codon, T replaced by G.
Molecular consequence: 3 prime UTR variant.
Genome position (GRCh38, 1-based): chr12:101,746,350, A>C on the plus strand (T>G on the coding strand, the complement: GNPTAB is on the minus strand). VCF-style: chr12-101746350-A-C. GRCh37 (hg19) VCF-style: chr12-102140128-A-C.
Identifiers: ClinVar variation 306780 (VCV000306780.5), dbSNP rs7974637, ClinGen allele CA10636130.